The following is an entry in ClinVar:

ClinVar aggregate classification (germline): Uncertain significance. Review status: criteria provided, multiple submitters, no conflicts (2 of 4 stars). 2 submissions from 2 submitters: Uncertain significance (2). Last evaluated 2024-02-06.

Allele frequency attached by ClinVar (database versions not stated): ExAC 0.00001; gnomAD 0.00001 and 0.00002; gnomAD exomes 0.00001 and 0.00004; TOPMed 0.00003.
gnomAD v4.1: 63 of 1,613,938 alleles (0.0039%); highest among the groups gnomAD compares: Non-Finnish European, 0.0052%; no homozygotes.

Submissions (2):

Ambry Genetics
Classification: Uncertain significance. Last evaluated: 2024-02-06. Review status: criteria provided, single submitter. Criteria: Ambry Variant Classification Scheme 2023. Collection method: clinical testing. Allele origin: germline.

Labcorp Genetics (formerly Invitae), Labcorp
Classification: Uncertain significance. Last evaluated: 2022-08-16. Review status: criteria provided, single submitter. Criteria: Invitae Variant Classification Sherloc (09022015). Collection method: clinical testing. Allele origin: germline.
Comment: This sequence change replaces serine, which is neutral and polar, with cysteine, which is neutral and slightly polar, at codon 1768 of the CCDC88A protein (p.Ser1768Cys). This variant is present in population databases (rs745884835, gnomAD 0.004%). This variant has not been reported in the literature in individuals affected with CCDC88A-related conditions. ClinVar contains an entry for this variant (Variation ID: 1422344). Algorithms developed to predict the effect of missense changes on protein structure and function are either unavailable or do not agree on the potential impact of this missense change (SIFT: "Deleterious"; PolyPhen-2: "Possibly Damaging"; Align-GVGD: "Class C0"). In summary, the available evidence is currently insufficient to determine the role of this variant in disease. Therefore, it has been classified as a Variant of Uncertain Significance.

NM_001365480.1(CCDC88A):c.5306C>G (p.Ser1769Cys)

Gene: CCDC88A (coiled-coil domain containing 88A; minus strand). Cytogenetic location: 2p16.1.
Variant type: single nucleotide variant.
Coding change: c.5306C>G on transcript NM_001365480.1 (MANE Select); coding-DNA position 5306, C replaced by G.
Protein change: p.Ser1769Cys; replaces serine 1769 with cysteine.
Molecular consequence: missense variant. On other transcripts: intron variant (1).
Genome position (GRCh38, 1-based): chr2:55,295,842, G>C on the plus strand (C>G on the coding strand, the complement: CCDC88A is on the minus strand). VCF-style: chr2-55295842-G-C. GRCh37 (hg19) VCF-style: chr2-55522978-G-C.
Other names: c.5303C>G, p.Ser1768Cys (NM_001135597.2); c.5222C>G, p.Ser1741Cys (NM_018084.5); c.5195+108C>G (NM_001254943.2); c.5303C>G (NM_001135597.1); short protein forms S1741C, S1769C, S1768C.
Identifiers: ClinVar variation 1422344 (VCV001422344.6), dbSNP rs745884835, ClinGen allele CA1665346.
Genomic context (GRCh38, chr2:55,295,842, plus strand): 5'-AGAGAAGATTCTTTTACTAATTTTATTTTTCCTTGAGTGCCTGGTGTAGGTTTTCCCGCA[G>C]AACTAATGAAGTAGGTATCTTCAGTTTTTCGAGGACCAGGTCTCAAAAACTCAGGCTTAG-3'
Protein context (NP_001352409.1, residues 1759-1779): RKTEDTYFIS[Ser1769Cys]AGKPTPGTQG